The following is an entry in ClinVar:

ClinVar aggregate classification (germline): Uncertain significance (1 of 4 stars; one submission).

Submission:

Labcorp Genetics (formerly Invitae), Labcorp
Classification: Uncertain significance. Last evaluated: 2025-09-25. Review status: criteria provided, single submitter. Criteria: Invitae Variant Classification Sherloc (09022015). Collection method: clinical testing. Allele origin: germline.
Comment: This sequence change replaces histidine, which is basic and polar, with glutamine, which is neutral and polar, at codon 368 of the MCM4 protein (p.His368Gln). This variant is not present in population databases (gnomAD no frequency). This variant has not been reported in the literature in individuals affected with MCM4-related conditions. ClinVar contains an entry for this variant (Variation ID: 3603445). Invitae Evidence Modeling of protein sequence and biophysical properties (such as structural, functional, and spatial information, amino acid conservation, physicochemical variation, residue mobility, and thermodynamic stability) indicates that this missense variant is not expected to disrupt MCM4 protein function with a negative predictive value of 80%. In summary, the available evidence is currently insufficient to determine the role of this variant in disease. Therefore, it has been classified as a Variant of Uncertain Significance.

NM_182746.3(MCM4):c.1104C>G (p.His368Gln)

Gene: MCM4 (minichromosome maintenance complex component 4; plus strand). Cytogenetic location: 8q11.21.
Variant type: single nucleotide variant.
Coding change: c.1104C>G on transcript NM_182746.3 (MANE Select); coding-DNA position 1104, C replaced by G.
Protein change: p.His368Gln; replaces histidine 368 with glutamine.
Molecular consequence: missense variant.
Genome position (GRCh38, 1-based): chr8:47,967,415, C>G. VCF-style: chr8-47967415-C-G. GRCh37 (hg19) VCF-style: chr8-48879975-C-G.
Other names: c.1104C>G, p.His368Gln (NM_005914.4); short protein forms H368Q.
Identifiers: ClinVar variation 3603445 (VCV003603445.2).